The following is an entry in ClinVar:

NC_000010.11:g.94645745G>A

Gene: CYP2C19 (cytochrome P450 family 2 subfamily C member 19; plus strand). Cytogenetic location: 10q23.33.
Variant type: single nucleotide variant.
Genome position: GRCh38 VCF-style: chr10-94645745-G-A. GRCh37 (hg19) VCF-style: chr10-96405502-G-A.
Identifiers: ClinVar variation 225947 (VCV000225947.3), dbSNP rs12777823, ClinGen allele CA10576166.

ClinVar aggregate classification (germline): drug response (3 of 4 stars; one submission).

Conditions:
warfarin response - Dosage. Identifiers: MedGen CN322729.

Allele frequency attached by ClinVar (database versions not stated): TOPMed 0.18521; gnomAD 0.18950; 1000 Genomes Project 30x 0.24126; 1000 Genomes Project 0.24541.

Submission:

ClinPGx
Classification: drug response for warfarin response - Dosage. Last evaluated: 2021-04-12. Review status: reviewed by expert panel. Criteria: Pharmacogenomics knowledge for personalized medicine. Collection method: curation. Allele origin: germline. Affected: yes.
Comment: PharmGKB Level of Evidence 1A: Level 1A clinical annotations describe variant-drug combinations that have variant-specific prescribing guidance available in a current clinical guideline annotation or an FDA-approved drug label annotation. Annotations of drug labels or clinical guidelines must give prescribing guidance for specific variants (e.g. CYP2C9*3, HLA-B*57:01) or provide mapping from defined allele functions to diplotypes and phenotypes to be used as supporting evidence for a level 1A clinical annotation. Level 1A clinical annotations must also be supported by at least one publication in addition to a clinical guideline or drug label with variant-specific prescribing guidance.

Literature cited by the submitters: PubMed 23755828; PubMed 25461246; PubMed 26024874; PubMed 26877068; PubMed 28686080.